The following is an entry in ClinVar:

ClinVar aggregate classification (germline): Likely benign. Review status: criteria provided, multiple submitters, no conflicts (2 of 4 stars). 2 submissions from 2 submitters: Likely benign (2). Last evaluated 2025-02-18.

Conditions:
Breast-ovarian cancer, familial, susceptibility to, 3. Also called: RAD51C-Related Breast/Ovarian Cancer. Identifiers: Orphanet 145, MedGen C3150659, MONDO:0013253, OMIM 613399.
Fanconi anemia complementation group O. Also called: RAD51C-Related Fanconi Anemia. Identifiers: Orphanet 84, MedGen C3150653, MONDO:0013248, OMIM 613390.

Submissions (2):

Myriad Genetics, Inc.
Classification: Likely benign for Breast-ovarian cancer, familial, susceptibility to, 3. Last evaluated: 2025-02-18. Review status: criteria provided, single submitter. Criteria: Myriad Autosomal Dominant, Autosomal Recessive and X-Linked Classification Criteria (2023). Collection method: clinical testing. Allele origin: unknown.
Comment: This variant is considered likely benign. This variant is intronic and is not expected to impact mRNA splicing.

Labcorp Genetics (formerly Invitae), Labcorp
Classification: Likely benign for Fanconi anemia complementation group O. Last evaluated: 2024-04-09. Review status: criteria provided, single submitter. Criteria: Invitae Variant Classification Sherloc (09022015). Collection method: clinical testing. Allele origin: germline.

NM_058216.3(RAD51C):c.572-15_572-14del

Gene: RAD51C (RAD51 paralog C; plus strand). Cytogenetic location: 17q22.
Variant type: Microsatellite.
Coding change: c.572-15_572-14del on transcript NM_058216.3 (MANE Select); 15 bases into the intron before coding-DNA position 572 through 14 bases into the intron before coding-DNA position 572, 2 bases deleted (GT; older notation c.572-15_572-14delGT).
Molecular consequence: intron variant.
Genome position (GRCh38, 1-based): chr17:58,703,181-58,703,182, GT deleted; deleting any 2 consecutive bases within chr17:58,703,179-58,703,182 gives the same sequence; the c. name uses the placement nearest the transcript's 3' end. VCF-style (leftmost placement, unchanged base first): chr17-58703178-AGT-A. GRCh37 (hg19) VCF-style: chr17-56780539-AGT-A.
Identifiers: ClinVar variation 3686550 (VCV003686550.3).